The following is an entry in ClinVar:

ClinVar aggregate classification (germline): Uncertain significance. Review status: criteria provided, multiple submitters, no conflicts (2 of 4 stars). 2 submissions from 2 submitters: Uncertain significance (2). Last evaluated 2026-08-03.

Conditions:
Inborn genetic diseases. Identifiers: MedGen C0950123, MeSH D030342.
Charcot-Marie-Tooth disease dominant intermediate F. Identifiers: Orphanet 352670, MedGen C4749463, MONDO:0014074, OMIM 615185.

Allele frequency attached by ClinVar (database versions not stated): gnomAD exomes below 0.00001.
gnomAD v4.1: 4 of 1,606,070 alleles (0.00025%); highest among the groups gnomAD compares: Non-Finnish European, 0.00026%; no homozygotes.

Submissions (2):

Ambry Genetics
Classification: Uncertain significance for Inborn genetic diseases. Last evaluated: 2026-08-03. Review status: criteria provided, single submitter. Criteria: Ambry Variant Classification Scheme 2023. Collection method: clinical testing. Allele origin: germline.

Labcorp Genetics (formerly Invitae), Labcorp
Classification: Uncertain significance for Charcot-Marie-Tooth disease dominant intermediate F. Last evaluated: 2021-01-20. Review status: criteria provided, single submitter. Criteria: Invitae Variant Classification Sherloc (09022015). Collection method: clinical testing. Allele origin: germline.
Comment: In summary, the available evidence is currently insufficient to determine the role of this variant in disease. Therefore, it has been classified as a Variant of Uncertain Significance. Algorithms developed to predict the effect of missense changes on protein structure and function are either unavailable or do not agree on the potential impact of this missense change (SIFT: "Deleterious"; PolyPhen-2: "Benign"; Align-GVGD: "Class C0"). This variant has not been reported in the literature in individuals with GNB4-related conditions. This variant is not present in population databases (ExAC no frequency). This sequence change replaces histidine with proline at codon 62 of the GNB4 protein (p.His62Pro). The histidine residue is highly conserved and there is a moderate physicochemical difference between histidine and proline.

NM_021629.4(GNB4):c.185A>C (p.His62Pro)

Gene: GNB4 (G protein subunit beta 4; minus strand). Cytogenetic location: 3q26.33.
Variant type: single nucleotide variant.
Coding change: c.185A>C on transcript NM_021629.4 (MANE Select); coding-DNA position 185, A replaced by C.
Protein change: p.His62Pro; replaces histidine 62 with proline.
Molecular consequence: missense variant.
Genome position (GRCh38, 1-based): chr3:179,419,417, T>G on the plus strand (A>C on the coding strand, the complement: GNB4 is on the minus strand). VCF-style: chr3-179419417-T-G. GRCh37 (hg19) VCF-style: chr3-179137205-T-G.
Other names: c.185A>C (NM_021629.3); short protein forms H62P.
Identifiers: ClinVar variation 1524292 (VCV001524292.9), dbSNP rs879741255, ClinGen allele CA88749555.
Genomic context (GRCh38, chr3:179,419,417, plus strand): 5'-TCTGCAACAGTTTAAAAATGACAGGTAATGACAGGTACAAACCTGGAATCGTATCCCCAA[T>G]GCATAGCATAGATTTTAGCTAGGTGGCCCCTCAGTGTACGTCTTGTTCGCATTTGTATTC-3'
Protein context (NP_067642.1, residues 52-72): RGHLAKIYAM[His62Pro]WGYDSRLLVS